The following is an entry in ClinVar:

NM_006031.6(PCNT):c.4345C>G (p.Gln1449Glu)

Gene: PCNT (pericentrin; plus strand). Cytogenetic location: 21q22.3.
Variant type: single nucleotide variant.
Coding change: c.4345C>G on transcript NM_006031.6 (MANE Select); coding-DNA position 4345, C replaced by G.
Protein change: p.Gln1449Glu; replaces glutamine 1449 with glutamic acid.
Molecular consequence: missense variant.
Genome position (GRCh38, 1-based): chr21:46,397,393, C>G. VCF-style: chr21-46397393-C-G. GRCh37 (hg19) VCF-style: chr21-47817307-C-G.
Other names: c.3991C>G, p.Gln1331Glu (NM_001315529.2); short protein forms Q1449E, Q1331E.
Identifiers: ClinVar variation 159601 (VCV000159601.68), dbSNP rs139432601, ClinGen allele CA173006.
Genomic context (GRCh38, chr21:46,397,393, plus strand): 5'-CGCTCAGCCCTGCTCTCCCAGATGAAGATTTTGGAGTCTGAGTTAGAAGAACAGCTGTCT[C>G]AGCATCGCGGGTGTGCCAAGCAGGCGGAGGCCGTCACTGCCCTGGAACAGCAGGTGGCAT-3'
Protein context (NP_006022.3, residues 1439-1459): LESELEEQLS[Gln1449Glu]HRGCAKQAEA

ClinVar aggregate classification (germline): Benign/Likely benign. Review status: criteria provided, multiple submitters, no conflicts (2 of 4 stars). 14 submissions from 14 submitters: Benign (3); Likely benign (7). 4 of the submissions do not count toward it. Last evaluated 2026-03-01.

Conditions:
PCNT-related disorder. Also called: PCNT-related condition.
Microcephalic osteodysplastic primordial dwarfism type II (MOPD2). Also called: MOPD II; OSTEODYSPLASTIC PRIMORDIAL DWARFISM, TYPE II; Microcephalic osteodysplastic primordial dwarfism with tooth abnormalities. Identifiers: Orphanet 2637, MedGen C0432246, MONDO:0008872, OMIM 210720.
Intellectual disability. Also called: Intellectual functioning disability; intellectual disabilities; Intellectual developmental disorder. Identifiers: MedGen C3714756, MeSH D008607, MONDO:0001071, HP:0001249.

Allele frequency attached by ClinVar (database versions not stated): 1000 Genomes Project 30x 0.00156; 1000 Genomes Project 0.00180; ExAC 0.00308; gnomAD exomes 0.00344 and 0.00607; TOPMed 0.00377; gnomAD 0.00379 and 0.00381; ESP Exome Variant Server 0.00454.
gnomAD v4.1: 9,489 of 1,614,208 alleles (0.59%); highest among the groups gnomAD compares: Non-Finnish European, 0.73%; 54 homozygotes.

Submissions (14):

CeGaT Center for Human Genetics Tuebingen
Classification: Likely benign. Last evaluated: 2026-03-01. Review status: criteria provided, single submitter. Criteria: CeGaT Center For Human Genetics Tuebingen Variant Classification Criteria Version 2. Collection method: clinical testing. Allele origin: germline. Affected: yes. Observed: 10 variant alleles.
Comment: PCNT: BP4, BS2

Labcorp Genetics (formerly Invitae), Labcorp
Classification: Benign. Last evaluated: 2026-01-28. Review status: criteria provided, single submitter. Criteria: Invitae Variant Classification Sherloc (09022015). Collection method: clinical testing. Allele origin: germline.

ARUP Laboratories, Molecular Genetics and Genomics, ARUP Laboratories
Classification: Benign for Microcephalic osteodysplastic primordial dwarfism type II. Last evaluated: 2025-04-09. Review status: criteria provided, single submitter. Criteria: ARUP Molecular Germline Variant Investigation Process 2024. Collection method: clinical testing. Allele origin: germline.

Cambridge Genomics Laboratory, East Genomic Laboratory Hub, NHS Genomic Medicine Service
Classification: Likely benign for Intellectual disability. Last evaluated: 2020-01-29. Review status: criteria provided, single submitter. Criteria: ACGS Best Practice Guidelines for Variant Classification in Rare Disease 2020. Collection method: clinical testing. Allele origin: germline. Affected: yes. Observed: 1 variant allele.

Illumina Laboratory Services, Illumina
Classification: Likely benign for Microcephalic osteodysplastic primordial dwarfism type II. Last evaluated: 2018-01-12. Review status: criteria provided, single submitter. Criteria: ICSL Variant Classification Criteria 13 December 2019. Collection method: clinical testing. Allele origin: germline.
Comment: This variant was observed in the ICSL laboratory as part of a predisposition screen in an ostensibly healthy population. It had not been previously curated by ICSL or reported in the Human Gene Mutation Database (HGMD: prior to June 1st, 2018), and was therefore a candidate for classification through an automated scoring system. Utilizing variant allele frequency, disease prevalence and penetrance estimates, and inheritance mode, an automated score was calculated to assess if this variant is too frequent to cause the disease. Based on the score and internal cut-off values, a variant classified as likely benign is not then subjected to further curation. The score for this variant resulted in a classification of likely benign for this disease.

Eurofins Ntd Llc (ga)
Classification: Likely benign. Last evaluated: 2017-04-13. Review status: criteria provided, single submitter. Criteria: EGL Classification Definitions 2015. Collection method: clinical testing. Allele origin: germline. Observed: 1 variant allele, 1 heterozygote.

GeneDx
Classification: Benign. Last evaluated: 2017-02-22. Review status: criteria provided, single submitter. Criteria: GeneDx Variant Classification (06012015). Collection method: clinical testing. Allele origin: germline. Affected: yes.
Comment: This variant is considered likely benign or benign based on one or more of the following criteria: it is a conservative change, it occurs at a poorly conserved position in the protein, it is predicted to be benign by multiple in silico algorithms, and/or has population frequency not consistent with disease.

Clinical Genetics DNA and cytogenetics Diagnostics Lab, Erasmus MC, Erasmus Medical Center
Classification: Likely benign for Microcephalic osteodysplastic primordial dwarfism type II. Last evaluated: 2015-09-21. Review status: criteria provided, single submitter. Criteria: ACGS Guidelines, 2013. Collection method: clinical testing. Allele origin: germline. Affected: yes. Study: VKGL Data-share Consensus.

Genetic Services Laboratory, University of Chicago
Classification: Likely benign. Last evaluated: 2015-05-13. Review status: criteria provided, single submitter. Criteria: ACMG Guidelines, 2015. Collection method: clinical testing. Allele origin: germline.

Breakthrough Genomics
Classification: Likely benign. Review status: criteria provided, single submitter. Criteria: ACMG Guidelines, 2015. Collection method: not provided. Allele origin: germline. Inheritance: Autosomal recessive inheritance. Affected: yes.

PreventionGenetics, part of Exact Sciences
Classification: Likely benign for PCNT-related condition. Last evaluated: 2019-06-03. Review status: no assertion criteria provided. Collection method: clinical testing. Allele origin: germline. Not counted in ClinVar's aggregate classification.
Comment: This variant is classified as likely benign based on ACMG/AMP sequence variant interpretation guidelines (Richards et al. 2015 PMID: 25741868, with internal and published modifications).

Diagnostic Laboratory, Department of Genetics, University Medical Center Groningen
Classification: Likely benign for Microcephalic osteodysplastic primordial dwarfism type II. Review status: no assertion criteria provided. Collection method: clinical testing. Allele origin: germline. Affected: yes. Study: VKGL Data-share Consensus. Not counted in ClinVar's aggregate classification.

Genome Diagnostics Laboratory, University Medical Center Utrecht
Classification: Likely benign. Review status: no assertion criteria provided. Collection method: clinical testing. Allele origin: germline. Affected: yes. Study: VKGL Data-share Consensus. Not counted in ClinVar's aggregate classification.

Laboratory of Diagnostic Genome Analysis, Leiden University Medical Center (LUMC)
Classification: Likely benign. Review status: no assertion criteria provided. Collection method: clinical testing. Allele origin: germline. Affected: yes. Study: VKGL Data-share Consensus. Not counted in ClinVar's aggregate classification.